The following is an entry in ClinVar:

ClinVar aggregate classification (germline): Uncertain significance (1 of 4 stars; one submission).

Conditions:
MAGEL2-related disorder. Also called: MAGEL2-related condition.

Submission:

PreventionGenetics, part of Exact Sciences
Classification: Uncertain significance for MAGEL2-related condition. Last evaluated: 2026-07-13. Review status: criteria provided, single submitter. Criteria: ACMG Guidelines, 2015. Collection method: clinical testing. Allele origin: germline.
Comment: The MAGEL2 c.598G>T variant is predicted to result in the amino acid substitution p.Ala200Ser. To our knowledge, this variant has not been reported in the literature or in a large population database (gnomAD), indicating this variant is rare. At this time, the clinical significance of this variant is uncertain due to the absence of conclusive functional and genetic evidence.

NM_019066.5(MAGEL2):c.598G>T (p.Ala200Ser)

Gene: MAGEL2 (MAGE family member L2; minus strand). Cytogenetic location: 15q11.2.
Variant type: single nucleotide variant.
Coding change: c.598G>T on transcript NM_019066.5 (MANE Select); coding-DNA position 598, G replaced by T.
Protein change: p.Ala200Ser; replaces alanine 200 with serine.
Molecular consequence: missense variant.
Genome position (GRCh38, 1-based): chr15:23,647,145, C>A on the plus strand (G>T on the coding strand, the complement: MAGEL2 is on the minus strand). VCF-style: chr15-23647145-C-A. GRCh37 (hg19) VCF-style: chr15-23892292-C-A.
Other names: short protein forms A200S.
Identifiers: ClinVar variation 4985737 (VCV004985737.1).